The following is an entry in ClinVar:

NM_004656.4(BAP1):c.1583C>T (p.Ser528Phe)

Gene: BAP1 (BRCA1 associated deubiquitinase 1; minus strand). Cytogenetic location: 3p21.1.
Variant type: single nucleotide variant.
Coding change: c.1583C>T on transcript NM_004656.4 (MANE Select); coding-DNA position 1583, C replaced by T.
Protein change: p.Ser528Phe; replaces serine 528 with phenylalanine.
Molecular consequence: missense variant.
Genome position (GRCh38, 1-based): chr3:52,403,562, G>A on the plus strand (C>T on the coding strand, the complement: BAP1 is on the minus strand). VCF-style: chr3-52403562-G-A. GRCh37 (hg19) VCF-style: chr3-52437578-G-A.
Other names: c.1583C>T (NM_004656.3); short protein forms S528F.
Identifiers: ClinVar variation 819599 (VCV000819599.9), dbSNP rs1578220482, ClinGen allele CA353100563.

ClinVar aggregate classification (germline): Conflicting classifications of pathogenicity. Review status: criteria provided, conflicting classifications (1 of 4 stars). 3 submissions from 3 submitters: Uncertain significance (2); Likely benign (1). Last evaluated 2025-12-16.

Conditions:
BAP1-related disorder. Also called: BAP1-related condition.
Hereditary cancer-predisposing syndrome. Also called: Neoplastic Syndromes, Hereditary; Hereditary Cancer Syndrome; Tumor predisposition; Hereditary neoplastic syndrome. Identifiers: Orphanet 140162, MedGen C0027672, MeSH D009386, MONDO:0015356.
BAP1-related tumor predisposition syndrome (TPDS1). Also called: BAP1 tumor predisposition syndrome; Tumor susceptibility linked to germline BAP1 mutations; TUMOR PREDISPOSITION SYNDROME 1; COMMON Syndrome. Identifiers: Orphanet 289539, MedGen C3280492, MONDO:0013692, OMIM 614327.

Allele frequency attached by ClinVar (database versions not stated): gnomAD 0.00001; TOPMed 0.00001.

Submissions (3):

PreventionGenetics, part of Exact Sciences
Classification: Uncertain significance for BAP1-related condition. Last evaluated: 2025-12-16. Review status: criteria provided, single submitter. Criteria: ACMG Guidelines, 2015. Collection method: clinical testing. Allele origin: germline.
Comment: The BAP1 c.1583C>T variant is predicted to result in the amino acid substitution p.Ser528Phe. To our knowledge, this variant has not been reported in the literature or in a large population database (gnomAD), indicating this variant is rare. At this time, the clinical significance of this variant is uncertain due to the absence of conclusive functional and genetic evidence.

Ambry Genetics
Classification: Likely benign for Hereditary cancer-predisposing syndrome. Last evaluated: 2024-12-23. Review status: criteria provided, single submitter. Criteria: Ambry Variant Classification Scheme 2023. Collection method: clinical testing. Allele origin: germline.

Labcorp Genetics (formerly Invitae), Labcorp
Classification: Uncertain significance for BAP1-related tumor predisposition syndrome. Last evaluated: 2024-06-10. Review status: criteria provided, single submitter. Criteria: Invitae Variant Classification Sherloc (09022015). Collection method: clinical testing. Allele origin: germline.
Comment: This sequence change replaces serine, which is neutral and polar, with phenylalanine, which is neutral and non-polar, at codon 528 of the BAP1 protein (p.Ser528Phe). This variant is not present in population databases (gnomAD no frequency). This variant has not been reported in the literature in individuals affected with BAP1-related conditions. ClinVar contains an entry for this variant (Variation ID: 819599). Advanced modeling of protein sequence and biophysical properties (such as structural, functional, and spatial information, amino acid conservation, physicochemical variation, residue mobility, and thermodynamic stability) has been performed at Invitae for this missense variant, however the output from this modeling did not meet the statistical confidence thresholds required to predict the impact of this variant on BAP1 protein function. In summary, the available evidence is currently insufficient to determine the role of this variant in disease. Therefore, it has been classified as a Variant of Uncertain Significance.

Literature cited by the submitters: PubMed 38969833 (cited by Ambry Genetics).